The following is an entry in ClinVar:

ClinVar aggregate classification (germline): Benign. Review status: criteria provided, multiple submitters, no conflicts (2 of 4 stars). 3 submissions from 3 submitters: Benign (3). Last evaluated 2024-07-15.

Allele frequency attached by ClinVar (database versions not stated): 1000 Genomes Project 0.23522; 1000 Genomes Project 30x 0.23626; ESP Exome Variant Server 0.25888; TOPMed 0.26154; gnomAD 0.27021 and 0.27181; ExAC 0.30667; gnomAD exomes 0.31019.
gnomAD v4.1: 501,053 of 1,613,550 alleles (31%); highest among the groups gnomAD compares: Middle Eastern, 35%; 80,319 homozygotes.

Submissions (3):

Unidad de Genómica Garrahan, Hospital de Pediatría Garrahan
Classification: Benign. Last evaluated: 2024-07-15. Review status: criteria provided, single submitter. Criteria: ACMG Guidelines, 2015. Collection method: clinical testing. Allele origin: germline. Affected: no. Observed: 58 variant alleles.
Comment: This variant is classified as Benign based on local population frequency. This variant was detected in 62% of patients studied in a panel designed for Epileptic and Developmental Encephalopathy and Progressive Myoclonus Epilepsy. Number of patients: 58. Only high quality variants are reported.

GeneDx
Classification: Benign. Last evaluated: 2018-06-14. Review status: criteria provided, single submitter. Criteria: GeneDx Variant Classification (06012015). Collection method: clinical testing. Allele origin: germline. Affected: yes.
Comment: This variant is considered likely benign or benign based on one or more of the following criteria: it is a conservative change, it occurs at a poorly conserved position in the protein, it is predicted to be benign by multiple in silico algorithms, and/or has population frequency not consistent with disease.

Breakthrough Genomics
Classification: Benign. Review status: criteria provided, single submitter. Criteria: ACMG Guidelines, 2015. Collection method: not provided. Allele origin: germline. Inheritance: Autosomal dominant inheritance. Affected: yes.

NM_000742.4(CHRNA2):c.1465-21T>C

Gene: CHRNA2 (cholinergic receptor nicotinic alpha 2 subunit; minus strand). Cytogenetic location: 8p21.2.
Variant type: single nucleotide variant.
Coding change: c.1465-21T>C on transcript NM_000742.4 (MANE Select); 21 bases into the intron before coding-DNA position 1465, T replaced by C.
Molecular consequence: intron variant.
Genome position (GRCh38, 1-based): chr8:27,461,775, A>G on the plus strand (T>C on the coding strand, the complement: CHRNA2 is on the minus strand). VCF-style: chr8-27461775-A-G. GRCh37 (hg19) VCF-style: chr8-27319292-A-G.
Other names: c.988-21T>C (NM_001347705.2, NM_001347706.2); c.1420-21T>C (NM_001282455.2); c.871-21T>C (NM_001347708.2, NM_001347707.2).
Identifiers: ClinVar variation 670848 (VCV000670848.4), dbSNP rs735421, ClinGen allele CA4689425.